The following is an entry in ClinVar:

ClinVar aggregate classification (germline): Uncertain significance (1 of 4 stars; one submission).

Submission:

Labcorp Genetics (formerly Invitae), Labcorp
Classification: Uncertain significance. Last evaluated: 2022-09-01. Review status: criteria provided, single submitter. Criteria: Invitae Variant Classification Sherloc (09022015). Collection method: clinical testing. Allele origin: germline.
Comment: This sequence change replaces glycine, which is neutral and non-polar, with aspartic acid, which is acidic and polar, at codon 446 of the CTNNA1 protein (p.Gly446Asp). This variant is not present in population databases (gnomAD no frequency). This variant has not been reported in the literature in individuals affected with CTNNA1-related conditions. ClinVar contains an entry for this variant (Variation ID: 1004118). In summary, the available evidence is currently insufficient to determine the role of this variant in disease. Therefore, it has been classified as a Variant of Uncertain Significance. Algorithms developed to predict the effect of missense changes on protein structure and function are either unavailable or do not agree on the potential impact of this missense change (SIFT: "Deleterious"; PolyPhen-2: "Possibly Damaging"; Align-GVGD: "Class C0").

NM_001903.5(CTNNA1):c.1337G>A (p.Gly446Asp)

Gene: CTNNA1 (catenin alpha 1; plus strand). Cytogenetic location: 5q31.2.
Variant type: single nucleotide variant.
Coding change: c.1337G>A on transcript NM_001903.5 (MANE Select); coding-DNA position 1337, G replaced by A.
Protein change: p.Gly446Asp; replaces glycine 446 with aspartic acid.
Molecular consequence: missense variant. On other transcripts: 5 prime UTR variant (6), intron variant (3).
Genome position (GRCh38, 1-based): chr5:138,904,389, G>A. VCF-style: chr5-138904389-G-A. GRCh37 (hg19) VCF-style: chr5-138240078-G-A.
Other names: c.1337G>A, p.Gly446Asp (NM_001290307.3, NM_001323982.2, NM_001323983.1 and 2 more transcripts); c.1028G>A, p.Gly343Asp (NM_001290309.3); c.968G>A, p.Gly323Asp (NM_001290310.3); c.227G>A, p.Gly76Asp (NM_001290312.1, NM_001323987.1, NM_001323988.1 and 17 more transcripts); c.-171G>A (NM_001324006.1, NM_001324007.1, NM_001324008.1 and 1 more transcripts); c.-17G>A (NM_001324012.1, NM_001324013.1); c.1297-13353G>A (NM_001323986.2); c.187-13353G>A (NM_001324011.1); and 1 more; short protein forms G323D, G343D, G446D, G76D.
Identifiers: ClinVar variation 1004118 (VCV001004118.8), dbSNP rs1758716428, ClinGen allele CA361135948.